The following is an entry in ClinVar:

ClinVar aggregate classification (germline): Uncertain significance (1 of 4 stars; one submission).

Conditions:
Primary ciliary dyskinesia. Also called: Ciliary dyskinesia. Identifiers: Orphanet 244, MedGen C0008780, MONDO:0016575, HP:0012265.

Submission:

Labcorp Genetics (formerly Invitae), Labcorp
Classification: Uncertain significance for Primary ciliary dyskinesia. Last evaluated: 2022-02-28. Review status: criteria provided, single submitter. Criteria: Invitae Variant Classification Sherloc (09022015). Collection method: clinical testing. Allele origin: germline.
Comment: In summary, the available evidence is currently insufficient to determine the role of this variant in disease. Therefore, it has been classified as a Variant of Uncertain Significance. Algorithms developed to predict the effect of missense changes on protein structure and function are either unavailable or do not agree on the potential impact of this missense change (SIFT: "Tolerated"; PolyPhen-2: "Possibly Damaging"; Align-GVGD: "Class C0"). This variant has not been reported in the literature in individuals affected with DNAAF3-related conditions. This variant is not present in population databases (gnomAD no frequency). This sequence change replaces alanine, which is neutral and non-polar, with valine, which is neutral and non-polar, at codon 226 of the DNAAF3 protein (p.Ala226Val).

NM_001256715.2(DNAAF3):c.473C>T (p.Ala158Val)

Genes: DNAAF3 (dynein axonemal assembly factor 3; minus strand), DNAAF3-AS1 (DNAAF3 antisense RNA 1; plus strand). Cytogenetic location: 19q13.42.
Variant type: single nucleotide variant.
Coding change: c.473C>T on transcript NM_001256715.2 (MANE Select); coding-DNA position 473, C replaced by T.
Protein change: p.Ala158Val; replaces alanine 158 with valine.
Molecular consequence: missense variant.
Genome position (GRCh38, 1-based): chr19:55,162,140, G>A on the plus strand (C>T on the coding strand, the complement: DNAAF3 is on the minus strand). VCF-style: chr19-55162140-G-A. GRCh37 (hg19) VCF-style: chr19-55673508-G-A.
Other names: c.677C>T, p.Ala226Val (NM_001256714.1); c.311C>T, p.Ala104Val (NM_001256716.2); c.614C>T, p.Ala205Val (NM_178837.4); short protein forms A205V, A104V, A158V, A226V.
Identifiers: ClinVar variation 2073414 (VCV002073414.4), dbSNP rs2515528932, ClinGen allele CA407456486.